The following is an entry in ClinVar:

NM_003001.5(SDHC):c.444A>G (p.Leu148=)

Gene: SDHC (succinate dehydrogenase complex subunit C; plus strand). Cytogenetic location: 1q23.3.
Variant type: single nucleotide variant.
Coding change: c.444A>G on transcript NM_003001.5 (MANE Select); coding-DNA position 444, A replaced by G.
Protein change: p.Leu148=; no amino-acid change (leucine 148 retained).
Molecular consequence: synonymous variant. On other transcripts: missense variant (3), non-coding transcript variant (1).
Genome position (GRCh38, 1-based): chr1:161,362,367, A>G. VCF-style: chr1-161362367-A-G. GRCh37 (hg19) VCF-style: chr1-161332157-A-G.
Other names: c.280A>G, p.Ile94Val (NM_001035511.3); c.342A>G, p.Leu114= (NM_001035512.3); c.285A>G, p.Leu95= (NM_001035513.3); c.178A>G, p.Ile60Val (NM_001278172.3); c.564A>G, p.Leu188= (NM_001407115.1); c.387A>G, p.Leu129= (NM_001407116.1); c.381A>G, p.Leu127= (NM_001407117.1); c.336A>G, p.Leu112= (NM_001407118.1); and 2 more; short protein forms I60V, I94V, I75V.
Identifiers: ClinVar variation 1082914 (VCV001082914.11), dbSNP rs377230417, ClinGen allele CA31438906.

ClinVar aggregate classification (germline): Benign/Likely benign. Review status: criteria provided, multiple submitters, no conflicts (2 of 4 stars). 4 submissions from 4 submitters: Benign (1); Likely benign (3). Last evaluated 2026-02-28.

Conditions:
Hereditary cancer-predisposing syndrome. Also called: Neoplastic Syndromes, Hereditary; Hereditary Cancer Syndrome; Hereditary neoplastic syndrome; Tumor predisposition. Identifiers: Orphanet 140162, MedGen C0027672, MeSH D009386, MONDO:0015356.
Hereditary pheochromocytoma and paraganglioma. Also called: Hereditary Paraganglioma-Pheochromocytoma Syndromes; Hereditary pheochromocytoma-paraganglioma; Hereditary paragangliomas and pheochromocytomas. Identifiers: Orphanet 29072, MedGen C4274332, MONDO:0017366.
Pheochromocytoma/paraganglioma syndrome 3. Also called: Paragangliomas 3; SDHC-Related Hereditary Paraganglioma-Pheochromocytoma Syndrome (Paragangliomas 3); SDHC-Related Hereditary Paraganglioma-Pheochromocytoma Syndrome; GLOMUS TUMORS, FAMILIAL, 3. Identifiers: Orphanet 29072, MedGen C1854336, MONDO:0011544, OMIM 605373.
Gastrointestinal stromal tumor. Also called: Gastrointestinal stroma tumor; Gastrointestinal stromal tumor, somatic. Identifiers: Orphanet 44890, MedGen C0238198, MeSH D046152, MONDO:0011719, OMIM 606764, HP:0100723.

gnomAD v4.1: 2 of 1,612,552 alleles (0.00012%); highest among the groups gnomAD compares: Non-Finnish European, 0.00017%; no homozygotes.

Submissions (4):

Ambry Genetics
Classification: Likely benign for Hereditary cancer-predisposing syndrome. Last evaluated: 2026-02-28. Review status: criteria provided, single submitter. Criteria: Ambry Variant Classification Scheme 2023. Collection method: clinical testing. Allele origin: germline.

Myriad Genetics, Inc.
Classification: Benign for Pheochromocytoma/paraganglioma syndrome 3. Last evaluated: 2025-03-17. Review status: criteria provided, single submitter. Criteria: Myriad Autosomal Dominant, Autosomal Recessive and X-Linked Classification Criteria (2023). Collection method: clinical testing. Allele origin: unknown.
Comment: This variant is considered benign. This variant is a silent/synonymous amino acid change and it is not expected to impact splicing.

Labcorp Genetics (formerly Invitae), Labcorp
Classification: Likely benign for Pheochromocytoma/paraganglioma syndrome 3; Gastrointestinal stromal tumor. Last evaluated: 2023-08-25. Review status: criteria provided, single submitter. Criteria: Invitae Variant Classification Sherloc (09022015). Collection method: clinical testing. Allele origin: germline.

All of Us Research Program, National Institutes of Health
Classification: Likely benign for Hereditary pheochromocytoma and paraganglioma. Last evaluated: 2023-06-26. Review status: criteria provided, single submitter. Criteria: ACMG Guidelines, 2015. Collection method: clinical testing. Allele origin: germline. Inheritance: Autosomal dominant inheritance. Observed: 1 variant allele, 1 heterozygote.
Comment: This study involves interpretation of variants in research participants for the purpose of population health screening. Participant phenotype was not available at the time of variant classification. Additional details can be found in publication PMID: 35346344, PMCID: PMC8962531